The following is an entry in ClinVar:

ClinVar aggregate classification (germline): Benign (1 of 4 stars; one submission).

Conditions:
Anemia, congenital dyserythropoietic, type IVa. Also called: Congenital dyserythropoietic anemia type 4; Congenital dyserythropoietic anemia, type IV; CDA, TYPE IVa. Identifiers: Orphanet 293825, MedGen C3150926, MONDO:0013355, OMIM 613673.

Allele frequency attached by ClinVar (database versions not stated): gnomAD 0.00014 and 0.00007; TOPMed 0.00013; 1000 Genomes Project 30x 0.00109; gnomAD exomes 0.00037; 1000 Genomes Project 0.00120.

Submission:

Illumina Laboratory Services, Illumina
Classification: Benign for Anemia, congenital dyserythropoietic, type IVa. Last evaluated: 2018-01-13. Review status: criteria provided, single submitter. Criteria: ICSL Variant Classification Criteria 13 December 2019. Collection method: clinical testing. Allele origin: germline.
Comment: This variant was observed in the ICSL laboratory as part of a predisposition screen in an ostensibly healthy population. It had not been previously curated by ICSL or reported in the Human Gene Mutation Database (HGMD: prior to June 1st, 2018), and was therefore a candidate for classification through an automated scoring system. Utilizing variant allele frequency, disease prevalence and penetrance estimates, and inheritance mode, an automated score was calculated to assess if this variant is too frequent to cause the disease. Based on the score and internal cut-off values, a variant classified as benign is not then subjected to further curation. The score for this variant resulted in a classification of benign for this disease.

NM_006563.5(KLF1):c.*185G>A

Gene: KLF1 (KLF transcription factor 1; minus strand). Cytogenetic location: 19p13.13.
Variant type: single nucleotide variant.
Coding change: c.*185G>A on transcript NM_006563.5 (MANE Select); 185 bases downstream of the stop codon, G replaced by A.
Molecular consequence: 3 prime UTR variant.
Genome position (GRCh38, 1-based): chr19:12,884,700, C>T on the plus strand (G>A on the coding strand, the complement: KLF1 is on the minus strand). VCF-style: chr19-12884700-C-T. GRCh37 (hg19) VCF-style: chr19-12995514-C-T.
Identifiers: ClinVar variation 328311 (VCV000328311.5), dbSNP rs137908457, ClinGen allele CA10642338.